The following is an entry in ClinVar:

ClinVar aggregate classification (germline): Uncertain significance (1 of 4 stars; one submission).

gnomAD v4.1: 1 of 1,568,504 alleles (0.000064%); highest among the groups gnomAD compares: Admixed American, 0.0018%; no homozygotes.

Submission:

Ambry Genetics
Classification: Uncertain significance. Last evaluated: 2025-03-07. Review status: criteria provided, single submitter. Criteria: Ambry Variant Classification Scheme 2023. Collection method: clinical testing. Allele origin: germline.
Comment: The p.A1701E variant (also known as c.5102C>A), located in coding exon 22 of the WNK2 gene, results from a C to A substitution at nucleotide position 5102. The alanine at codon 1701 is replaced by glutamic acid, an amino acid with dissimilar properties. This amino acid position is conserved. In addition, this alteration is predicted to be tolerated by in silico analysis. Based on the available evidence, the clinical significance of this variant remains unclear.

NM_006648.4(WNK2):c.5102C>A (p.Ala1701Glu)

Gene: WNK2 (WNK lysine deficient protein kinase 2; plus strand). Cytogenetic location: 9q22.31.
Variant type: single nucleotide variant.
Coding change: c.5102C>A on transcript NM_006648.4 (MANE Select); coding-DNA position 5102, C replaced by A.
Protein change: p.Ala1701Glu; replaces alanine 1701 with glutamic acid.
Molecular consequence: missense variant.
Genome position (GRCh38, 1-based): chr9:93,292,567, C>A. VCF-style: chr9-93292567-C-A. GRCh37 (hg19) VCF-style: chr9-96054849-C-A.
Other names: c.5213C>A, p.Ala1738Glu (NM_001282394.3); short protein forms A1701E, A1738E.
Identifiers: ClinVar variation 3817223 (VCV003817223.1).
Genomic context (GRCh38, chr9:93,292,567, plus strand): 5'-TGAGACCTGCACGTGTGGAGCCCACAGACAGGGATGGTGGAGAAGCTGGAGAAAGCTCGG[C>A]AGAGCCCCCGCCGAGTGACATGGGCACAGTGGGGGGCCAGGCTAGCCACCCCCAGACACT-3'
Protein context (NP_006639.3, residues 1691-1711): RDGGEAGESS[Ala1701Glu]EPPPSDMGTV